The following is an entry in ClinVar:

ClinVar aggregate classification (germline): Benign/Likely benign. Review status: criteria provided, multiple submitters, no conflicts (2 of 4 stars). 6 submissions from 6 submitters: Benign (1); Likely benign (5). Last evaluated 2025-10-07.

Conditions:
Hereditary cancer-predisposing syndrome. Also called: Neoplastic Syndromes, Hereditary; Hereditary Cancer Syndrome; Tumor predisposition; Hereditary neoplastic syndrome. Identifiers: Orphanet 140162, MedGen C0027672, MeSH D009386, MONDO:0015356.
Familial cancer of breast. Also called: Hereditary breast cancer; BREAST CANCER, FAMILIAL; hereditary breast carcinoma. Identifiers: Orphanet 227535, MedGen C0346153, MONDO:0016419, OMIM 114480. Disease mechanism: loss of function.
Ataxia-telangiectasia syndrome (AT). Also called: LOUIS-BAR SYNDROME; Cerebello-oculocutaneous telangiectasia; Immunodeficiency with ataxia telangiectasia; Ataxia-telangiectasia, complementation group D; AT, COMPLEMENTATION GROUP C; Ataxia-telangiectasia, complementation group E. Identifiers: Orphanet 100, MedGen C0004135, MONDO:0008840, OMIM 208900.

Allele frequency attached by ClinVar (database versions not stated): gnomAD exomes 0.00001 and below 0.00001; ExAC 0.00002.
gnomAD v4.1: 1 of 1,613,434 alleles (0.000062%); highest among the groups gnomAD compares: East Asian, 0.0022%; no homozygotes.

Submissions (6):

Labcorp Genetics (formerly Invitae), Labcorp
Classification: Likely benign for Ataxia-telangiectasia syndrome. Last evaluated: 2025-10-07. Review status: criteria provided, single submitter. Criteria: Invitae Variant Classification Sherloc (09022015). Collection method: clinical testing. Allele origin: germline.

Blueprint Genetics
Classification: Likely benign. Last evaluated: 2024-10-30. Review status: criteria provided, single submitter. Criteria: ACMG Guidelines, 2015. Collection method: clinical testing. Allele origin: germline.

Myriad Genetics, Inc.
Classification: Benign for Familial cancer of breast. Last evaluated: 2024-05-30. Review status: criteria provided, single submitter. Criteria: Myriad Autosomal Dominant, Autosomal Recessive and X-Linked Classification Criteria (2023). Collection method: clinical testing. Allele origin: unknown.
Comment: This variant is considered benign. This variant is a silent/synonymous amino acid change and it is not expected to impact splicing.

GeneDx
Classification: Likely benign. Last evaluated: 2018-10-17. Review status: criteria provided, single submitter. Criteria: GeneDx Variant Classification Process June 2021. Collection method: clinical testing. Allele origin: germline. Affected: yes.
Comment: See Variant Classification Assertion Criteria.

Ambry Genetics
Classification: Likely benign for Hereditary cancer-predisposing syndrome. Last evaluated: 2018-02-25. Review status: criteria provided, single submitter. Criteria: Ambry Variant Classification Scheme 2023. Collection method: clinical testing. Allele origin: germline.

Color Diagnostics, LLC DBA Color Health
Classification: Likely benign for Hereditary cancer-predisposing syndrome. Last evaluated: 2016-03-28. Review status: criteria provided, single submitter. Criteria: ACMG Guidelines, 2015. Collection method: clinical testing. Allele origin: germline.

NM_000051.4(ATM):c.6057T>C (p.Tyr2019=)

Genes: ATM (ATM serine/threonine kinase; plus strand), C11orf65 (chromosome 11 open reading frame 65; minus strand). Cytogenetic location: 11q22.3.
Variant type: single nucleotide variant.
Coding change: c.6057T>C on transcript NM_000051.4 (MANE Select); coding-DNA position 6057, T replaced by C.
Protein change: p.Tyr2019=; no amino-acid change (tyrosine 2019 retained).
Molecular consequence: synonymous variant. On other transcripts: intron variant (2).
Genome position (GRCh38, 1-based): chr11:108,315,873, T>C. VCF-style: chr11-108315873-T-C. GRCh37 (hg19) VCF-style: chr11-108186600-T-C.
Other names: c.6057T>C, p.Tyr2019= (NM_001351834.2); c.641-6802A>G (NM_001330368.2); c.*39-6802A>G (NM_001351110.2).
Identifiers: ClinVar variation 490639 (VCV000490639.22), dbSNP rs777534711, ClinGen allele CA6265841.